The following is an entry in ClinVar:

ClinVar aggregate classification (germline): Uncertain significance (1 of 4 stars; one submission).

Conditions:
Charcot-Marie-Tooth disease type 4. Also called: Charcot-Marie-Tooth disease, type IV; Charcot-Marie-Tooth, Type 4. Identifiers: Orphanet 64749, MedGen C4082197, MONDO:0018995.

Allele frequency attached by ClinVar (database versions not stated): gnomAD exomes below 0.00001; TOPMed below 0.00001.
gnomAD v4.1: 1 of 1,614,234 alleles (0.000062%); highest among the groups gnomAD compares: Non-Finnish European, 0.000085%; no homozygotes.

Submission:

Labcorp Genetics (formerly Invitae), Labcorp
Classification: Uncertain significance for Charcot-Marie-Tooth disease type 4. Last evaluated: 2022-05-01. Review status: criteria provided, single submitter. Criteria: Invitae Variant Classification Sherloc (09022015). Collection method: clinical testing. Allele origin: germline.
Comment: This variant has not been reported in the literature in individuals affected with SH3TC2-related conditions. In summary, the available evidence is currently insufficient to determine the role of this variant in disease. Therefore, it has been classified as a Variant of Uncertain Significance. Advanced modeling of protein sequence and biophysical properties (such as structural, functional, and spatial information, amino acid conservation, physicochemical variation, residue mobility, and thermodynamic stability) performed at Invitae indicates that this missense variant is not expected to disrupt SH3TC2 protein function. This variant is not present in population databases (gnomAD no frequency). This sequence change replaces glycine, which is neutral and non-polar, with serine, which is neutral and polar, at codon 697 of the SH3TC2 protein (p.Gly697Ser).

NM_024577.4(SH3TC2):c.2089G>A (p.Gly697Ser)

Gene: SH3TC2 (SH3 domain and tetratricopeptide repeats 2; minus strand). Cytogenetic location: 5q32.
Variant type: single nucleotide variant.
Coding change: c.2089G>A on transcript NM_024577.4 (MANE Select); coding-DNA position 2089, G replaced by A.
Protein change: p.Gly697Ser; replaces glycine 697 with serine.
Molecular consequence: missense variant.
Genome position (GRCh38, 1-based): chr5:149,027,643, C>T on the plus strand (G>A on the coding strand, the complement: SH3TC2 is on the minus strand). VCF-style: chr5-149027643-C-T. GRCh37 (hg19) VCF-style: chr5-148407206-C-T.
Other names: short protein forms G697S.
Identifiers: ClinVar variation 1895713 (VCV001895713.5), dbSNP rs1373314706, ClinGen allele CA361667105.